The following is an entry in ClinVar:

ClinVar aggregate classification (germline): Pathogenic (1 of 4 stars; one submission).

Conditions:
5-Oxoprolinase deficiency (OPLAHD). Also called: 5-OXOPROLINURIA DUE TO 5-OXOPROLINASE DEFICIENCY. Identifiers: Orphanet 33572, MedGen C0268525, MONDO:0009825, OMIM 260005, HP:0040142.

Submission:

Labcorp Genetics (formerly Invitae), Labcorp
Classification: Pathogenic for 5-Oxoprolinase deficiency. Last evaluated: 2023-05-25. Review status: criteria provided, single submitter. Criteria: Invitae Variant Classification Sherloc (09022015). Collection method: clinical testing. Allele origin: germline.
Comment: Algorithms developed to predict the effect of sequence changes on RNA splicing suggest that this variant may disrupt the consensus splice site. For these reasons, this variant has been classified as Pathogenic. This sequence change creates a premature translational stop signal (p.His788Profs*174) in the OPLAH gene. It is expected to result in an absent or disrupted protein product. Loss-of-function variants in OPLAH are known to be pathogenic (PMID: 21651516, 27477828). This variant is not present in population databases (gnomAD no frequency). This variant has not been reported in the literature in individuals affected with OPLAH-related conditions.

Literature cited by the submitters: PubMed 21651516; PubMed 27477828.

NM_017570.5(OPLAH):c.2362dup (p.His788fs)

Gene: OPLAH (5-oxoprolinase, ATP-hydrolysing; minus strand). Cytogenetic location: 8q24.3.
Variant type: Duplication.
Coding change: c.2362dup on transcript NM_017570.5 (MANE Select); coding-DNA position 2362, one base duplicated (C; older notation c.2362dupC).
Protein change: p.His788fs; shifts the reading frame from histidine 788.
Molecular consequence: frameshift variant.
Genome position (GRCh38, 1-based): chr8:144,055,076, G duplicated on the plus strand (C on the coding strand, the reverse complement: OPLAH is on the minus strand); the first of 6 consecutive G bases (chr8:144,055,076-144,055,081); duplicating any one gives the same sequence. VCF-style (leftmost placement, unchanged base first): chr8-144055075-T-TG. GRCh37 (hg19) VCF-style: chr8-145109978-T-TG.
Other names: short protein forms H788fs.
Identifiers: ClinVar variation 2776954 (VCV002776954.3), dbSNP rs1835478520, ClinGen allele CA2689033953.